The following is an entry in ClinVar:

ClinVar aggregate classification (germline): Uncertain significance (1 of 4 stars; one submission).

Conditions:
Hereditary cancer-predisposing syndrome. Also called: Hereditary neoplastic syndrome; Neoplastic Syndromes, Hereditary; Tumor predisposition; Hereditary Cancer Syndrome. Identifiers: Orphanet 140162, MedGen C0027672, MeSH D009386, MONDO:0015356.

Submission:

Ambry Genetics
Classification: Uncertain significance for Hereditary cancer-predisposing syndrome. Last evaluated: 2025-08-27. Review status: criteria provided, single submitter. Criteria: Ambry Variant Classification Scheme 2023. Collection method: clinical testing. Allele origin: germline.
Comment: The p.E120K variant (also known as c.358G>A), located in coding exon 4 of the MUTYH gene, results from a G to A substitution at nucleotide position 358. The glutamic acid at codon 120 is replaced by lysine, an amino acid with similar properties. This amino acid position is conserved. In addition, this alteration is predicted to be tolerated by in silico analysis. Based on the available evidence, the clinical significance of this variant remains unclear.

NM_001048174.2(MUTYH):c.274G>A (p.Glu92Lys)

Gene: MUTYH (mutY DNA glycosylase; minus strand). Cytogenetic location: 1p34.1.
Variant type: single nucleotide variant.
Coding change: c.274G>A on transcript NM_001048174.2 (MANE Select); coding-DNA position 274, G replaced by A.
Protein change: p.Glu92Lys; replaces glutamic acid 92 with lysine.
Molecular consequence: missense variant. On other transcripts: 5 prime UTR variant (3), non-coding transcript variant (7), initiator codon variant (3).
Genome position (GRCh38, 1-based): chr1:45,333,315, C>T on the plus strand (G>A on the coding strand, the complement: MUTYH is on the minus strand). VCF-style: chr1-45333315-C-T. GRCh37 (hg19) VCF-style: chr1-45798987-C-T.
Other names: c.316G>A, p.Glu106Lys (NM_001407085.1, NM_001407073.1, NM_001407083.1); c.277G>A, p.Glu93Lys (NM_001407086.1, NM_001407071.1, NM_001407078.1 and 2 more transcripts); c.295G>A, p.Glu99Lys (NM_001407087.1); c.274G>A, p.Glu92Lys (NM_001407088.1, NM_001407089.1, NM_001407070.1 and 6 more transcripts); c.-3G>A (NM_001407091.1, NM_001293192.2, NM_001293196.2); c.349G>A, p.Glu117Lys (NM_012222.3, NM_001407069.1); c.190G>A, p.Glu64Lys (NM_001407075.1); c.307G>A, p.Glu103Lys (NM_001407077.1, NM_001293191.2); and 3 more; short protein forms E106K, E107K, E64K, E93K, E92K, E103K, E117K, E120K.
Identifiers: ClinVar variation 4113622 (VCV004113622.1).